The following is an entry in ClinVar:

ClinVar aggregate classification (germline): Likely pathogenic (0 of 4 stars; one submission).

Conditions:
Finnish congenital nephrotic syndrome (NPHS1). Also called: NEPHROTIC SYNDROME, TYPE 1. Identifiers: Orphanet 839, MedGen C0403399, MONDO:0009732, OMIM 256300.

Submission:

Juha Muilu Group; Institute for Molecular Medicine Finland (FIMM)
Classification: Likely pathogenic for Finnish congenital nephrotic syndrome. Review status: no assertion criteria provided. Collection method: not provided. Allele origin: unknown.
Comment: FinDis database variant: This variant was not found or characterized by our laboratory, data were collected from public sources: see reference
ClinVar note: Converted during submission from probable-pathogenic to Likely pathogenic.

NM_004646.4(NPHS1):c.2816-4_2822del

Gene: NPHS1 (NPHS1 adhesion molecule, nephrin; minus strand). Cytogenetic location: 19q13.12.
Variant type: Deletion.
Coding change: c.2816-4_2822del on transcript NM_004646.4 (MANE Select); 4 bases into the intron before coding-DNA position 2816 through coding-DNA position 2822, 11 bases deleted (ATAGGCCGCCC).
Molecular consequence: splice acceptor variant.
Genome position (GRCh38, 1-based): chr19:35,839,601-35,839,611, GGGCGGCCTAT deleted on the plus strand (ATAGGCCGCCC on the coding strand, the reverse complement: NPHS1 is on the minus strand); deleting any 11 consecutive bases within chr19:35,839,601-35,839,614 gives the same sequence; the c. name uses the placement nearest the transcript's 3' end. VCF-style (leftmost placement, unchanged base first): chr19-35839600-AGGGCGGCCTAT-A. GRCh37 (hg19) VCF-style: chr19-36330502-AGGGCGGCCTAT-A.
Other names: c.2816-4_2822delATAGGCCGCCC (NM_004646.3).
Identifiers: ClinVar variation 56489 (VCV000056489.2), dbSNP rs386833928, ClinGen allele CA250213.